The following is an entry in ClinVar:

ClinVar aggregate classification (germline): Uncertain significance (1 of 4 stars; one submission).

Allele frequency attached by ClinVar (database versions not stated): gnomAD exomes below 0.00001.
gnomAD v4.1: 2 of 1,614,164 alleles (0.00012%); highest among the groups gnomAD compares: Non-Finnish European, 0.00017%; no homozygotes.

Submission:

GeneDx
Classification: Uncertain significance. Last evaluated: 2017-10-25. Review status: criteria provided, single submitter. Criteria: GeneDx Variant Classification (06012015). Collection method: clinical testing. Allele origin: germline. Affected: yes.
Comment: The c.1930 G>A variant has not been published as a pathogenic variant, nor has it been reported as a benign variant to our knowledge. The c.1930 G>A variant is not observed in large population cohorts (Lek et al., 2016). Multiple in-silico splice prediction models predict that c.1930 G>A destroys the natural splice donor site and may lead to abnormal gene splicing. However, in the absence of RNA/functional studies the actual effect of c.1930 G>A on splicing in this individual is unknown. If c.1930 G>A does not alter splicing, it will result in the D644N missense change. The D644N substitution occurs at a position where amino acids with similar properties to Asparagine are tolerated across species. However, this variant is a semi-conservative amino acid substitution, which may impact secondary protein structure as these residues differ in some properties. In silico analysis predicts this variant is probably damaging to the protein structure/function. Additionally, missense variants in nearby residues (V640G, M646V/I) have been reported in the Human Gene Mutation Database in association with myotonia congenita (Stenson et al., 2014), supporting the functional importance of this region of the protein.

NM_000083.3(CLCN1):c.1930G>A (p.Asp644Asn)

Gene: CLCN1 (chloride voltage-gated channel 1; plus strand). Cytogenetic location: 7q34.
Variant type: single nucleotide variant.
Coding change: c.1930G>A on transcript NM_000083.3 (MANE Select); coding-DNA position 1930, G replaced by A.
Protein change: p.Asp644Asn; replaces aspartic acid 644 with asparagine.
Molecular consequence: missense variant. On other transcripts: non-coding transcript variant (1).
Genome position (GRCh38, 1-based): chr7:143,342,505, G>A. VCF-style: chr7-143342505-G-A. GRCh37 (hg19) VCF-style: chr7-143039598-G-A.
Other names: short protein forms D644N.
Identifiers: ClinVar variation 452910 (VCV000452910.2), dbSNP rs1554438576, ClinGen allele CA369648214.